The following is an entry in ClinVar:

ClinVar aggregate classification (germline): Uncertain significance. Review status: criteria provided, multiple submitters, no conflicts (2 of 4 stars). 3 submissions from 3 submitters: Uncertain significance (3). Last evaluated 2025-04-03.

Conditions:
MCM2-related disorder. Also called: MCM2-related condition.

Submissions (3):

PreventionGenetics, part of Exact Sciences
Classification: Uncertain significance for MCM2-related condition. Last evaluated: 2025-04-03. Review status: criteria provided, single submitter. Criteria: ACMG Guidelines, 2015. Collection method: clinical testing. Allele origin: germline.
Comment: The MCM2 c.101G>C variant is predicted to result in the amino acid substitution p.Arg34Pro. To our knowledge, this variant has not been reported in the literature. This variant is reported in 0.0031% of alleles in individuals of European (Non-Finnish) descent in gnomAD. At this time, the clinical significance of this variant is uncertain due to the absence of conclusive functional and genetic evidence.

Ambry Genetics
Classification: Uncertain significance. Last evaluated: 2024-05-21. Review status: criteria provided, single submitter. Criteria: Ambry Variant Classification Scheme 2023. Collection method: clinical testing. Allele origin: germline.

Labcorp Genetics (formerly Invitae), Labcorp
Classification: Uncertain significance. Last evaluated: 2023-11-22. Review status: criteria provided, single submitter. Criteria: Invitae Variant Classification Sherloc (09022015). Collection method: clinical testing. Allele origin: germline.
Comment: This sequence change replaces arginine, which is basic and polar, with proline, which is neutral and non-polar, at codon 34 of the MCM2 protein (p.Arg34Pro). This variant is present in population databases (no rsID available, gnomAD 0.003%). This variant has not been reported in the literature in individuals affected with MCM2-related conditions. An algorithm developed to predict the effect of missense changes on protein structure and function (PolyPhen-2) suggests that this variant is likely to be tolerated. In summary, the available evidence is currently insufficient to determine the role of this variant in disease. Therefore, it has been classified as a Variant of Uncertain Significance.

NM_004526.4(MCM2):c.101G>C (p.Arg34Pro)

Gene: MCM2 (minichromosome maintenance complex component 2; plus strand). Cytogenetic location: 3q21.3.
Variant type: single nucleotide variant.
Coding change: c.101G>C on transcript NM_004526.4 (MANE Select); coding-DNA position 101, G replaced by C.
Protein change: p.Arg34Pro; replaces arginine 34 with proline.
Molecular consequence: missense variant. On other transcripts: non-coding transcript variant (1).
Genome position (GRCh38, 1-based): chr3:127,599,412, G>C. VCF-style: chr3-127599412-G-C. GRCh37 (hg19) VCF-style: chr3-127318255-G-C.
Other names: c.101G>C (NM_004526.2, NM_004526.3); short protein forms R34P.
Identifiers: ClinVar variation 2897195 (VCV002897195.5), dbSNP rs749193916, ClinGen allele CA83303741.
Genomic context (GRCh38, chr3:127,599,412, plus strand): 5'-CGGCCCAGCGTCGGCGAGGCAATGATCCTCTCACCTCCAGCCCTGGCCGAAGCTCCCGGC[G>C]TACTGATGCCCTCACCTCCAGCCCTGGCCGTGACCTTCCACCATTTGAGGATGAGTCCGA-3'
Protein context (NP_004517.2, residues 24-44): LTSSPGRSSR[Arg34Pro]TDALTSSPGR